The following is an entry in ClinVar:

ClinVar aggregate classification (germline): Uncertain significance (1 of 4 stars; one submission).

Conditions:
Hereditary cancer-predisposing syndrome. Also called: Neoplastic Syndromes, Hereditary; Hereditary Cancer Syndrome; Hereditary neoplastic syndrome; Tumor predisposition. Identifiers: Orphanet 140162, MedGen C0027672, MeSH D009386, MONDO:0015356.

Submission:

Ambry Genetics
Classification: Uncertain significance for Hereditary cancer-predisposing syndrome. Last evaluated: 2023-06-06. Review status: criteria provided, single submitter. Criteria: Ambry Variant Classification Scheme 2023. Collection method: clinical testing. Allele origin: germline.
Comment: The c.871+5G>T intronic variant results from a G to T substitution 5 nucleotides after coding exon 5 in the FLCN gene. This nucleotide position is highly conserved in available vertebrate species. In silico splice site analysis predicts that this alteration may weaken the native splice donor site; however, direct evidence is insufficient at this time (Ambry internal data). Since supporting evidence is limited at this time, the clinical significance of this alteration remains unclear.

NM_144997.7(FLCN):c.871+5G>T

Gene: FLCN (folliculin; minus strand). Cytogenetic location: 17p11.2.
Variant type: single nucleotide variant.
Coding change: c.871+5G>T on transcript NM_144997.7 (MANE Select); 5 bases into the intron after coding-DNA position 871, G replaced by T.
Molecular consequence: intron variant. On other transcripts: missense variant (1).
Genome position (GRCh38, 1-based): chr17:17,221,532, C>A on the plus strand (G>T on the coding strand, the complement: FLCN is on the minus strand). VCF-style: chr17-17221532-C-A. GRCh37 (hg19) VCF-style: chr17-17124846-C-A.
Other names: c.876G>T, p.Glu292Asp (NM_144606.7); c.871+5G>T (NM_001353231.2, NM_001353230.2); c.925+5G>T (NM_001353229.2); short protein forms E292D.
Identifiers: ClinVar variation 2566337 (VCV002566337.2), dbSNP rs2544218834, ClinGen allele CA398533596.